The following is an entry in ClinVar:

NM_000257.4(MYH7):c.2923-4G>A

Gene: MYH7 (myosin heavy chain 7; minus strand). Cytogenetic location: 14q11.2.
Variant type: single nucleotide variant.
Coding change: c.2923-4G>A on transcript NM_000257.4 (MANE Select); 4 bases into the intron before coding-DNA position 2923, G replaced by A.
Molecular consequence: intron variant.
Genome position (GRCh38, 1-based): chr14:23,423,727, C>T on the plus strand (G>A on the coding strand, the complement: MYH7 is on the minus strand). VCF-style: chr14-23423727-C-T. GRCh37 (hg19) VCF-style: chr14-23892936-C-T.
Identifiers: ClinVar variation 921869 (VCV000921869.6), dbSNP rs1391789257, ClinGen allele CA613317713.

ClinVar aggregate classification (germline): Likely benign. Review status: criteria provided, multiple submitters, no conflicts (2 of 4 stars). 3 submissions from 3 submitters: Likely benign (3). Last evaluated 2025-12-16.

Conditions:
Cardiomyopathy (CMYO). Also called: Cardiomyopathies. Identifiers: Orphanet 167848, MedGen C0878544, MONDO:0004994, HP:0001638. Inheritance: Various modes of inheritance.
Hypertrophic cardiomyopathy. Also called: HYPERTROPHIC MYOCARDIOPATHY. Identifiers: Orphanet 217569, MedGen C0007194, MeSH D002312, MONDO:0005045, HP:0001639.

Allele frequency attached by ClinVar (database versions not stated): gnomAD exomes below 0.00001.
gnomAD v4.1: 1 of 1,614,080 alleles (0.000062%); highest among the groups gnomAD compares: Admixed American, 0.0017%; no homozygotes.

Submissions (3):

Labcorp Genetics (formerly Invitae), Labcorp
Classification: Likely benign for Hypertrophic cardiomyopathy. Last evaluated: 2025-12-16. Review status: criteria provided, single submitter. Criteria: Invitae Variant Classification Sherloc (09022015). Collection method: clinical testing. Allele origin: germline.

Women's Health and Genetics/Laboratory Corporation of America, LabCorp
Classification: Likely benign. Last evaluated: 2025-12-11. Review status: criteria provided, single submitter. Criteria: LabCorp Variant Classification Summary - May 2015. Collection method: clinical testing. Allele origin: germline.
Comment: Variant summary: MYH7 c.2923-4G>A alters a nucleotide located at a position not widely known to affect splicing. Consensus agreement among computation tools predict no significant impact on normal splicing. However, these predictions have yet to be confirmed by functional studies. The variant allele was found at a frequency of 4e-06 in 251486 control chromosomes. The available data on variant occurrences in the general population are insufficient to allow any conclusion about variant significance. To our knowledge, no occurrence of c.2923-4G>A in individuals affected with MYH7-related conditions and no experimental evidence demonstrating its impact on protein function have been reported. ClinVar contains an entry for this variant (Variation ID: 921869). Based on the evidence outlined above, the variant was classified as likely benign.

Color Diagnostics, LLC DBA Color Health
Classification: Likely benign for Cardiomyopathy. Last evaluated: 2019-07-16. Review status: criteria provided, single submitter. Criteria: ACMG Guidelines, 2015. Collection method: clinical testing. Allele origin: germline.